The following is an entry in ClinVar:

NM_000393.5(COL5A2):c.*561T>C

Gene: COL5A2 (collagen type V alpha 2 chain; minus strand). Cytogenetic location: 2q32.2.
Variant type: single nucleotide variant.
Coding change: c.*561T>C on transcript NM_000393.5 (MANE Select); 561 bases downstream of the stop codon, T replaced by C.
Molecular consequence: 3 prime UTR variant.
Genome position (GRCh38, 1-based): chr2:189,033,509, A>G on the plus strand (T>C on the coding strand, the complement: COL5A2 is on the minus strand). VCF-style: chr2-189033509-A-G. GRCh37 (hg19) VCF-style: chr2-189898235-A-G.
Identifiers: ClinVar variation 333119 (VCV000333119.6), dbSNP rs564981830, ClinGen allele CA10611782.
Genomic context (GRCh38, chr2:189,033,509, plus strand): 5'-TTAAAAATTCTATTTAAGACAGTGAGAAACGTTTTTTTTTTTTTAAGATTCTCCTTAAAG[A>G]GTCTCTATTATAGTTACACAATATCAAGACATGCATGTAGGTCTCGATCACAAGTTAAAC-3'

ClinVar aggregate classification (germline): Benign (1 of 4 stars; one submission).

Conditions:
Ehlers-Danlos syndrome, classic type, 2 (EDSCL2). Also called: Ehlers-Danlos syndrome, type 2; Ehlers-Danlos syndrome type 2 (formerly); Ehlers-Danlos Syndrome, Classic Type, COL5A2-Related. Identifiers: Orphanet 287, Orphanet 90318, MedGen C0268336, MONDO:0019568, OMIM 130010.

Allele frequency attached by ClinVar (database versions not stated): 1000 Genomes Project 30x 0.00453; gnomAD 0.00011 and 0.00077; TOPMed 0.00026; gnomAD exomes 0.00203; 1000 Genomes Project 0.00399.
gnomAD v4.1: 119 of 153,586 alleles (0.077%); highest among the groups gnomAD compares: South Asian, 2.1%; 1 homozygote.

Submission:

Illumina Laboratory Services, Illumina
Classification: Benign for Ehlers-Danlos syndrome, classic type, 2. Last evaluated: 2018-01-13. Review status: criteria provided, single submitter. Criteria: ICSL Variant Classification Criteria 13 December 2019. Collection method: clinical testing. Allele origin: germline.
Comment: This variant was observed in the ICSL laboratory as part of a predisposition screen in an ostensibly healthy population. It had not been previously curated by ICSL or reported in the Human Gene Mutation Database (HGMD: prior to June 1st, 2018), and was therefore a candidate for classification through an automated scoring system. Utilizing variant allele frequency, disease prevalence and penetrance estimates, and inheritance mode, an automated score was calculated to assess if this variant is too frequent to cause the disease. Based on the score and internal cut-off values, a variant classified as benign is not then subjected to further curation. The score for this variant resulted in a classification of benign for this disease.